The following is an entry in ClinVar:

ClinVar aggregate classification (germline): Uncertain significance. Review status: criteria provided, multiple submitters, no conflicts (2 of 4 stars). 4 submissions from 4 submitters: Uncertain significance (4). Last evaluated 2025-06-19.

Conditions:
Familial cancer of breast. Also called: BREAST CANCER, FAMILIAL; hereditary breast carcinoma; Hereditary breast cancer. Identifiers: Orphanet 227535, MedGen C0346153, MONDO:0016419, OMIM 114480. Disease mechanism: loss of function.
Hereditary cancer-predisposing syndrome. Also called: Neoplastic Syndromes, Hereditary; Tumor predisposition; Hereditary Cancer Syndrome; Hereditary neoplastic syndrome. Identifiers: Orphanet 140162, MedGen C0027672, MeSH D009386, MONDO:0015356.

Allele frequency attached by ClinVar (database versions not stated): ExAC 0.00001; gnomAD exomes 0.00001.
gnomAD v4.1: 3 of 1,613,640 alleles (0.00019%); highest among the groups gnomAD compares: East Asian, 0.0067%; no homozygotes.

Submissions (4):

Labcorp Genetics (formerly Invitae), Labcorp
Classification: Uncertain significance for Familial cancer of breast. Last evaluated: 2025-06-19. Review status: criteria provided, single submitter. Criteria: Invitae Variant Classification Sherloc (09022015). Collection method: clinical testing. Allele origin: germline.
Comment: This sequence change replaces leucine, which is neutral and non-polar, with proline, which is neutral and non-polar, at codon 447 of the BARD1 protein (p.Leu447Pro). This variant is present in population databases (rs765495837, gnomAD 0.02%). This variant has not been reported in the literature in individuals affected with BARD1-related conditions. ClinVar contains an entry for this variant (Variation ID: 234086). An algorithm developed to predict the effect of missense changes on protein structure and function (PolyPhen-2) suggests that this variant is likely to be disruptive. In summary, the available evidence is currently insufficient to determine the role of this variant in disease. Therefore, it has been classified as a Variant of Uncertain Significance.

Ambry Genetics
Classification: Uncertain significance for Hereditary cancer-predisposing syndrome. Last evaluated: 2025-03-28. Review status: criteria provided, single submitter. Criteria: Ambry Variant Classification Scheme 2023. Collection method: clinical testing. Allele origin: germline.
Comment: The p.L447P variant (also known as c.1340T>C), located in coding exon 5 of the BARD1 gene, results from a T to C substitution at nucleotide position 1340. The leucine at codon 447 is replaced by proline, an amino acid with similar properties. This amino acid position is highly conserved in available vertebrate species. In addition, this alteration is predicted to be deleterious by in silico analysis. Based on the available evidence, the clinical significance of this variant remains unclear.

Color Diagnostics, LLC DBA Color Health
Classification: Uncertain significance for Hereditary cancer-predisposing syndrome. Last evaluated: 2025-02-10. Review status: criteria provided, single submitter. Criteria: ACMG Guidelines, 2015. Collection method: clinical testing. Allele origin: germline.
Comment: This missense variant replaces leucine with proline at codon 447 of the BARD1 protein. Computational prediction suggests that this variant may have deleterious impact on protein structure and function (internally defined REVEL score threshold >= 0.7, PMID: 27666373). To our knowledge, functional studies have not been reported for this variant. This variant has not been reported in individuals affected with BARD1-related disorders in the literature. This variant has been identified in 3/251294 chromosomes in the general population by the Genome Aggregation Database (gnomAD). The available evidence is insufficient to determine the role of this variant in disease conclusively. Therefore, this variant is classified as a Variant of Uncertain Significance.

Fulgent Genetics
Classification: Uncertain significance for Familial cancer of breast. Last evaluated: 2024-05-31. Review status: criteria provided, single submitter. Criteria: ACMG Guidelines, 2015. Collection method: clinical testing. Allele origin: germline.

NM_000465.4(BARD1):c.1340T>C (p.Leu447Pro)

Gene: BARD1 (BRCA1 associated RING domain 1; minus strand). Cytogenetic location: 2q35.
Variant type: single nucleotide variant.
Coding change: c.1340T>C on transcript NM_000465.4 (MANE Select); coding-DNA position 1340, T replaced by C.
Protein change: p.Leu447Pro; replaces leucine 447 with proline.
Molecular consequence: missense variant. On other transcripts: non-coding transcript variant (3), intron variant (3).
Genome position (GRCh38, 1-based): chr2:214,769,287, A>G on the plus strand (T>C on the coding strand, the complement: BARD1 is on the minus strand). VCF-style: chr2-214769287-A-G. GRCh37 (hg19) VCF-style: chr2-215634011-A-G.
Other names: c.1283T>C, p.Leu428Pro (NM_001282543.2); c.159-16732T>C (NM_001282548.2); c.216-16732T>C (NM_001282545.2); c.364+23010T>C (NM_001282549.2); short protein forms L447P, L428P.
Identifiers: ClinVar variation 234086 (VCV000234086.17), dbSNP rs765495837, ClinGen allele CA2090282.